The following is an entry in ClinVar:

NM_018076.5(ODAD2):c.937G>A (p.Gly313Arg)

Gene: ODAD2 (outer dynein arm docking complex subunit 2; minus strand). Cytogenetic location: 10p12.1.
Variant type: single nucleotide variant.
Coding change: c.937G>A on transcript NM_018076.5 (MANE Select); coding-DNA position 937, G replaced by A.
Protein change: p.Gly313Arg; replaces glycine 313 with arginine.
Molecular consequence: missense variant. On other transcripts: intron variant (1).
Genome position (GRCh38, 1-based): chr10:27,971,313, C>T on the plus strand (G>A on the coding strand, the complement: ODAD2 is on the minus strand). VCF-style: chr10-27971313-C-T. GRCh37 (hg19) VCF-style: chr10-28260242-C-T.
Other names: c.937G>A, p.Gly313Arg (NM_001290020.2); c.13G>A, p.Gly5Arg (NM_001312689.2); c.-187-9598G>A (NM_001290021.2); short protein forms G313R, G5R.
Identifiers: ClinVar variation 3302153 (VCV003302153.1).

ClinVar aggregate classification (germline): Uncertain significance (1 of 4 stars; one submission).

Conditions:
Primary ciliary dyskinesia. Also called: Ciliary dyskinesia. Identifiers: Orphanet 244, MedGen C0008780, MONDO:0016575, HP:0012265.

Submission:

Ambry Genetics
Classification: Uncertain significance for Primary ciliary dyskinesia. Last evaluated: 2024-06-16. Review status: criteria provided, single submitter. Criteria: Ambry Variant Classification Scheme 2023. Collection method: clinical testing. Allele origin: germline.
Comment: The p.G313R variant (also known as c.937G>A) is located in coding exon 7 of the ARMC4 gene. The glycine at codon 313 is replaced by arginine, an amino acid with dissimilar properties. This change occurs in the first base pair of coding exon 7. This amino acid position is conserved. In addition, this alteration is predicted to be tolerated by in silico analysis. Based on the available evidence, the clinical significance of this variant remains unclear.